The following is an entry in ClinVar:

ClinVar aggregate classification (germline): Pathogenic (1 of 4 stars; one submission).

Conditions:
Early-infantile DEE. Also called: Early infantile epileptic encephalopathy; Ohtahara syndrome; Early infantile epileptic encephalopathy with suppression bursts. Identifiers: Orphanet 1934, MedGen C0393706, MONDO:0800491.

Submission:

Labcorp Genetics (formerly Invitae), Labcorp
Classification: Pathogenic for Early-infantile DEE. Last evaluated: 2022-06-20. Review status: criteria provided, single submitter. Criteria: Invitae Variant Classification Sherloc (09022015). Collection method: clinical testing. Allele origin: germline.
Comment: For these reasons, this variant has been classified as Pathogenic. This variant has not been reported in the literature in individuals affected with SCN1A-related conditions. This variant is not present in population databases (gnomAD no frequency). This sequence change creates a premature translational stop signal (p.Pro1171Thrfs*2) in the SCN1A gene. It is expected to result in an absent or disrupted protein product. Loss-of-function variants in SCN1A are known to be pathogenic (PMID: 17347258, 18930999).

Literature cited by the submitters: PubMed 17347258; PubMed 18930999.

NM_001165963.4(SCN1A):c.3510dup (p.Pro1171fs)

Genes: SCN1A (sodium voltage-gated channel alpha subunit 1; minus strand), LOC102724058 (uncharacterized LOC102724058; plus strand). Cytogenetic location: 2q24.3.
Variant type: Duplication.
Coding change: c.3510dup on transcript NM_001165963.4 (MANE Select); coding-DNA position 3510, one base duplicated (A; older notation c.3510dupA).
Protein change: p.Pro1171fs; shifts the reading frame from proline 1171.
Molecular consequence: frameshift variant. On other transcripts: non-coding transcript variant (2).
Genome position (GRCh38, 1-based): chr2:166,015,647, T duplicated on the plus strand (A on the coding strand, the reverse complement: SCN1A is on the minus strand); the first of 2 consecutive T bases (chr2:166,015,647-166,015,648); duplicating either gives the same sequence. VCF-style (leftmost placement, unchanged base first): chr2-166015646-G-GT. GRCh37 (hg19) VCF-style: chr2-166872156-G-GT.
Other names: c.3426dup, p.Pro1143fs (NM_001165964.3, NM_001353957.2, NM_001353958.2); c.3510dup, p.Pro1171fs (NM_001202435.3, NM_001353948.2); c.3477dup, p.Pro1160fs (NM_001353949.2, NM_001353950.2, NM_001353951.2 and 2 more transcripts); c.3474dup, p.Pro1159fs (NM_001353954.2, NM_001353955.2); c.3423dup, p.Pro1142fs (NM_001353960.2); c.1068dup, p.Pro357fs (NM_001353961.2); short protein forms P357fs, P1143fs, P1160fs, P1171fs, P1159fs, P1142fs.
Identifiers: ClinVar variation 2008639 (VCV002008639.4), dbSNP rs2468548836, ClinGen allele CA2580064356.